The following is an entry in ClinVar:

NM_001184.4(ATR):c.1403A>G (p.Gln468Arg)

Gene: ATR (ATR checkpoint kinase; minus strand). Cytogenetic location: 3q23.
Variant type: single nucleotide variant.
Coding change: c.1403A>G on transcript NM_001184.4 (MANE Select); coding-DNA position 1403, A replaced by G.
Protein change: p.Gln468Arg; replaces glutamine 468 with arginine.
Molecular consequence: missense variant. On other transcripts: intron variant (1).
Genome position (GRCh38, 1-based): chr3:142,560,401, T>C on the plus strand (A>G on the coding strand, the complement: ATR is on the minus strand). VCF-style: chr3-142560401-T-C. GRCh37 (hg19) VCF-style: chr3-142279243-T-C.
Other names: c.1349+842A>G (NM_001354579.2); short protein forms Q468R.
Identifiers: ClinVar variation 1016192 (VCV001016192.12), dbSNP rs2034833475, ClinGen allele CA354822970.

ClinVar aggregate classification (germline): Uncertain significance. Review status: criteria provided, multiple submitters, no conflicts (2 of 4 stars). 4 submissions from 3 submitters: Uncertain significance (4). Last evaluated 2024-10-08.

Conditions:
Inborn genetic diseases. Identifiers: MedGen C0950123, MeSH D030342.
Familial cutaneous telangiectasia and oropharyngeal predisposition cancer syndrome. Identifiers: Orphanet 313846, MedGen C3281203, MONDO:0013806, OMIM 614564.
Seckel syndrome 1 (SCKL1). Also called: MICROCEPHALIC PRIMORDIAL DWARFISM I. Identifiers: Orphanet 808, MedGen C4551474, MONDO:0008869, OMIM 210600.

Allele frequency attached by ClinVar (database versions not stated): gnomAD exomes below 0.00001; TOPMed below 0.00001.
gnomAD v4.1: 2 of 1,613,758 alleles (0.00012%); highest among the groups gnomAD compares: Non-Finnish European, 0.00017%; no homozygotes.

Submissions (4):

Ambry Genetics
Classification: Uncertain significance for Inborn genetic diseases. Last evaluated: 2024-10-08. Review status: criteria provided, single submitter. Criteria: Ambry Variant Classification Scheme 2023. Collection method: clinical testing. Allele origin: germline.

Labcorp Genetics (formerly Invitae), Labcorp
Classification: Uncertain significance. Last evaluated: 2023-12-24. Review status: criteria provided, single submitter. Criteria: Invitae Variant Classification Sherloc (09022015). Collection method: clinical testing. Allele origin: germline.
Comment: This sequence change replaces glutamine, which is neutral and polar, with arginine, which is basic and polar, at codon 468 of the ATR protein (p.Gln468Arg). This variant is not present in population databases (gnomAD no frequency). This variant has not been reported in the literature in individuals affected with ATR-related conditions. ClinVar contains an entry for this variant (Variation ID: 1016192). An algorithm developed to predict the effect of missense changes on protein structure and function (PolyPhen-2) suggests that this variant is likely to be tolerated. In summary, the available evidence is currently insufficient to determine the role of this variant in disease. Therefore, it has been classified as a Variant of Uncertain Significance.

Genome-Nilou Lab
Classification: Uncertain significance for Seckel syndrome 1. Last evaluated: 2023-02-08. Review status: criteria provided, single submitter. Criteria: ACMG Guidelines, 2015. Collection method: clinical testing. Allele origin: germline.

Genome-Nilou Lab
Classification: Uncertain significance for Familial cutaneous telangiectasia and oropharyngeal predisposition cancer syndrome. Last evaluated: 2023-02-08. Review status: criteria provided, single submitter. Criteria: ACMG Guidelines, 2015. Collection method: clinical testing. Allele origin: germline.